The following is an entry in ClinVar:

ClinVar aggregate classification (germline): Uncertain significance (1 of 4 stars; one submission).

Conditions:
Cardiomyopathy (CMYO). Also called: Cardiomyopathies. Identifiers: Orphanet 167848, MedGen C0878544, MONDO:0004994, HP:0001638. Inheritance: Various modes of inheritance.

Submission:

Color Diagnostics, LLC DBA Color Health
Classification: Uncertain significance for Cardiomyopathy. Last evaluated: 2023-11-06. Review status: criteria provided, single submitter. Criteria: ACMG Guidelines, 2015. Collection method: clinical testing. Allele origin: germline.
Comment: This missense variant replaces glycine with valine at codon 354 of the MYBPC3 protein. Computational prediction suggests that this variant may not impact protein structure and function (internally defined REVEL score threshold <= 0.5, PMID: 27666373). To our knowledge, functional studies have not been reported for this variant. This variant has not been reported in individuals affected with MYBPC3-related disorders in the literature. This variant has not been identified in the general population by the Genome Aggregation Database (gnomAD). The available evidence is insufficient to determine the role of this variant in disease conclusively. Therefore, this variant is classified as a Variant of Uncertain Significance.

NM_000256.3(MYBPC3):c.1061G>T (p.Gly354Val)

Gene: MYBPC3 (myosin binding protein C3; minus strand). Cytogenetic location: 11p11.2.
Variant type: single nucleotide variant.
Coding change: c.1061G>T on transcript NM_000256.3 (MANE Select); coding-DNA position 1061, G replaced by T.
Protein change: p.Gly354Val; replaces glycine 354 with valine.
Molecular consequence: missense variant.
Genome position (GRCh38, 1-based): chr11:47,346,236, C>A on the plus strand (G>T on the coding strand, the complement: MYBPC3 is on the minus strand). VCF-style: chr11-47346236-C-A. GRCh37 (hg19) VCF-style: chr11-47367787-C-A.
Other names: short protein forms G354V.
Identifiers: ClinVar variation 2773755 (VCV002773755.2), dbSNP rs1194910212, ClinGen allele CA380331089.
Genomic context (GRCh38, chr11:47,346,236, plus strand): 5'-CCTCTCCTCTCCCCTCTGAGGAAGGGCTAACCTGTGCTCTTCTTCTCATCGCGCCTCATG[C>A]CCTTGAGCCTCTTTAGCATGCCGCGCAGGTCAGTGACGCCGTACTGGAAGGCGATGCGCT-3'
Protein context (NP_000247.2, residues 344-364): DLRGMLKRLK[Gly354Val]MRRDEKKSTA